The following is an entry in ClinVar:

ClinVar aggregate classification (germline): Conflicting classifications of pathogenicity. Review status: criteria provided, conflicting classifications (1 of 4 stars). 5 submissions from 5 submitters: Uncertain significance (1); Benign (2); Likely benign (2). Last evaluated 2025-12-16.

Conditions:
EXPH5-related disorder. Also called: EXPH5-related condition.

Allele frequency attached by ClinVar (database versions not stated): 1000 Genomes Project 0.00080; 1000 Genomes Project 30x 0.00094; ExAC 0.00267; gnomAD 0.00267 and 0.00299; gnomAD exomes 0.00270 and 0.00546; TOPMed 0.00289; ESP Exome Variant Server 0.00385.
gnomAD v4.1: 7,917 of 1,556,862 alleles (0.51%); highest among the groups gnomAD compares: Non-Finnish European, 0.65%; 36 homozygotes.

Submissions (5):

Labcorp Genetics (formerly Invitae), Labcorp
Classification: Benign. Last evaluated: 2025-12-16. Review status: criteria provided, single submitter. Criteria: Invitae Variant Classification Sherloc (09022015). Collection method: clinical testing. Allele origin: germline.

PreventionGenetics, part of Exact Sciences
Classification: Likely benign for EXPH5-related condition. Last evaluated: 2025-11-13. Review status: criteria provided, single submitter. Criteria: ACMG Guidelines, 2015. Collection method: clinical testing. Allele origin: germline.
Comment: This variant is classified as likely benign based on ACMG/AMP sequence variant interpretation guidelines (Richards et al. 2015 PMID: 25741868, with internal and published modifications).

Blueprint Genetics
Classification: Likely benign. Last evaluated: 2024-11-20. Review status: criteria provided, single submitter. Criteria: ACMG Guidelines, 2015. Collection method: clinical testing. Allele origin: germline.

GeneDx
Classification: Uncertain significance. Last evaluated: 2023-11-13. Review status: criteria provided, single submitter. Criteria: GeneDx Variant Classification Process June 2021. Collection method: clinical testing. Allele origin: germline. Affected: yes.
Comment: In silico analysis supports that this missense variant has a deleterious effect on protein structure/function; Has not been previously published as pathogenic or benign to our knowledge; In silico analysis suggests this variant may impact gene splicing. In the absence of RNA/functional studies, the actual effect of this sequence change is unknown.

Breakthrough Genomics
Classification: Benign. Review status: criteria provided, single submitter. Criteria: ACMG Guidelines, 2015. Collection method: not provided. Allele origin: germline. Inheritance: Autosomal recessive inheritance. Affected: yes.

NM_015065.3(EXPH5):c.5953A>G (p.Lys1985Glu)

Gene: EXPH5 (exophilin 5; minus strand). Cytogenetic location: 11q22.3.
Variant type: single nucleotide variant.
Coding change: c.5953A>G on transcript NM_015065.3 (MANE Select); coding-DNA position 5953, A replaced by G.
Protein change: p.Lys1985Glu; replaces lysine 1985 with glutamic acid.
Molecular consequence: missense variant.
Genome position (GRCh38, 1-based): chr11:108,509,554, T>C on the plus strand (A>G on the coding strand, the complement: EXPH5 is on the minus strand). VCF-style: chr11-108509554-T-C. GRCh37 (hg19) VCF-style: chr11-108380281-T-C.
Other names: c.5725A>G, p.Lys1909Glu (NM_001144763.2); c.5485A>G, p.Lys1829Glu (NM_001144764.2); c.5389A>G, p.Lys1797Glu (NM_001144765.2); c.5932A>G, p.Lys1978Glu (NM_001308019.2); short protein forms K1985E, K1797E, K1829E, K1909E, K1978E.
Identifiers: ClinVar variation 719499 (VCV000719499.10), dbSNP rs146199863, ClinGen allele CA6267253.